The following is an entry in ClinVar:

NM_017617.5(NOTCH1):c.1823C>A (p.Ser608Tyr)

Gene: NOTCH1 (notch receptor 1; minus strand). Cytogenetic location: 9q34.3.
Variant type: single nucleotide variant.
Coding change: c.1823C>A on transcript NM_017617.5 (MANE Select); coding-DNA position 1823, C replaced by A.
Protein change: p.Ser608Tyr; replaces serine 608 with tyrosine.
Molecular consequence: missense variant.
Genome position (GRCh38, 1-based): chr9:136,515,563, G>T on the plus strand (C>A on the coding strand, the complement: NOTCH1 is on the minus strand). VCF-style: chr9-136515563-G-T. GRCh37 (hg19) VCF-style: chr9-139410015-G-T.
Other names: short protein forms S608Y.
Identifiers: ClinVar variation 3406873 (VCV003406873.1).

ClinVar aggregate classification (germline): Uncertain significance (1 of 4 stars; one submission).

Conditions:
Familial thoracic aortic aneurysm and aortic dissection (TAAD). Also called: Thoracic aortic aneurysms and dissections. Identifiers: Orphanet 91387, MedGen C4707243, MONDO:0019625.

Submission:

Ambry Genetics
Classification: Uncertain significance for Familial thoracic aortic aneurysm and aortic dissection. Last evaluated: 2024-10-27. Review status: criteria provided, single submitter. Criteria: Ambry Variant Classification Scheme 2023. Collection method: clinical testing. Allele origin: germline.
Comment: The p.S608Y variant (also known as c.1823C>A), located in coding exon 11 of the NOTCH1 gene, results from a C to A substitution at nucleotide position 1823. The serine at codon 608 is replaced by tyrosine, an amino acid with dissimilar properties. This amino acid position is conserved. In addition, this alteration is predicted to be tolerated by in silico analysis. Based on the available evidence, the clinical significance of this variant remains unclear.